The following is an entry in ClinVar:

NM_024426.6(WT1):c.256C>T (p.Pro86Ser)

Genes: WT1 (WT1 transcription factor; minus strand), LOC107982234 (WT1/WT1-AS bi-directional promoter region; plus strand). Cytogenetic location: 11p13.
Variant type: single nucleotide variant.
Coding change: c.256C>T on transcript NM_024426.6 (MANE Select); coding-DNA position 256, C replaced by T.
Protein change: p.Pro86Ser; replaces proline 86 with serine.
Molecular consequence: missense variant. On other transcripts: non-coding transcript variant (2).
Genome position (GRCh38, 1-based): chr11:32,435,105, G>A on the plus strand (C>T on the coding strand, the complement: WT1 is on the minus strand). VCF-style: chr11-32435105-G-A. GRCh37 (hg19) VCF-style: chr11-32456651-G-A.
Other names: c.256C>T, p.Pro86Ser (NM_000378.6, NM_001407044.1, NM_001407045.1 and 6 more transcripts); c.37C>T, p.Pro13Ser (NM_001429031.1, NM_001429032.1, NM_001429033.1 and 1 more transcripts); short protein forms P81S, P13S, P86S.
Identifiers: ClinVar variation 5032068 (VCV005032068.1).

ClinVar aggregate classification (germline): Uncertain significance (1 of 4 stars; one submission).

Conditions:
Inborn genetic diseases. Identifiers: MedGen C0950123, MeSH D030342.

Submission:

Ambry Genetics
Classification: Uncertain significance for Inborn genetic diseases. Last evaluated: 2026-09-09. Review status: criteria provided, single submitter. Criteria: Ambry Variant Classification Scheme 2023. Collection method: clinical testing. Allele origin: germline.
Comment: The p.P81S variant (also known as c.241C>T), located in coding exon 1 of the WT1 gene, results from a C to T substitution at nucleotide position 241. The proline at codon 81 is replaced by serine, an amino acid with similar properties. This amino acid position is conserved. In addition, this alteration is predicted to be tolerated by in silico analysis. Based on the available evidence, the clinical significance of this variant remains unclear.